The following is an entry in ClinVar:

ClinVar aggregate classification (germline): Likely benign. Review status: criteria provided, multiple submitters, no conflicts (2 of 4 stars). 4 submissions from 4 submitters: Likely benign (4). Last evaluated 2025-07-01.

Conditions:
Inborn genetic diseases. Identifiers: MedGen C0950123, MeSH D030342.
Colorectal cancer. Also called: Malignant Colorectal Neoplasm; Colorectal cancer, somatic. Identifiers: MedGen C0346629, MONDO:0005575, OMIM 114500.
Mosaic variegated aneuploidy syndrome 1 (MVA1). Also called: Warburton-Anyane-Yeboa syndrome. Identifiers: Orphanet 1052, MedGen C1850343, MONDO:0009759, OMIM 257300.

Allele frequency attached by ClinVar (database versions not stated): ExAC 0.00002; gnomAD exomes 0.00002 and 0.00003; TOPMed 0.00002; gnomAD 0.00005; ESP Exome Variant Server 0.00008.
gnomAD v4.1: 62 of 1,613,570 alleles (0.0038%); highest among the groups gnomAD compares: East Asian, 0.02%; no homozygotes.

Submissions (4):

CeGaT Center for Human Genetics Tuebingen
Classification: Likely benign. Last evaluated: 2025-07-01. Review status: criteria provided, single submitter. Criteria: CeGaT Center For Human Genetics Tuebingen Variant Classification Criteria Version 2. Collection method: clinical testing. Allele origin: germline. Affected: yes. Observed: 1 variant allele.
Comment: BUB1B: BP4

Labcorp Genetics (formerly Invitae), Labcorp
Classification: Likely benign for Mosaic variegated aneuploidy syndrome 1. Last evaluated: 2023-09-22. Review status: criteria provided, single submitter. Criteria: Invitae Variant Classification Sherloc (09022015). Collection method: clinical testing. Allele origin: germline.

KCCC/NGS Laboratory, Kuwait Cancer Control Center
Classification: Likely benign for Colorectal cancer. Last evaluated: 2023-07-07. Review status: criteria provided, single submitter. Criteria: ACMG Guidelines, 2015. Collection method: clinical testing. Allele origin: germline. Affected: yes.

Ambry Genetics
Classification: Likely benign for Inborn genetic diseases. Last evaluated: 2022-03-03. Review status: criteria provided, single submitter. Criteria: Ambry Variant Classification Scheme 2023. Collection method: clinical testing. Allele origin: germline.

NM_001211.6(BUB1B):c.255A>G (p.Thr85=)

Gene: BUB1B (BUB1 mitotic checkpoint serine/threonine kinase B; plus strand). Cytogenetic location: 15q15.1.
Variant type: single nucleotide variant.
Coding change: c.255A>G on transcript NM_001211.6 (MANE Select); coding-DNA position 255, A replaced by G.
Protein change: p.Thr85=; no amino-acid change (threonine 85 retained).
Molecular consequence: synonymous variant.
Genome position (GRCh38, 1-based): chr15:40,170,552, A>G. VCF-style: chr15-40170552-A-G. GRCh37 (hg19) VCF-style: chr15-40462753-A-G.
Identifiers: ClinVar variation 465373 (VCV000465373.22), dbSNP rs140273483, ClinGen allele CA7475437.
Genomic context (GRCh38, chr15:40,170,552, plus strand): 5'-CATGTTCAATTTAAAATGTGTTCTTATCTTTTTCCTCCCATTTAGGTATATCAGCTGGAC[A>G]GAGCAGAACTATCCTCAAGGTGGGAAGGAGAGTAATATGTCAACGTTATTAGAAAGAGCT-3'
Protein context (NP_001202.5, residues 75-95): LDVWDRYISW[Thr85=]EQNYPQGGKE